The following is an entry in ClinVar:

ClinVar aggregate classification (germline): Uncertain significance. Review status: criteria provided, multiple submitters, no conflicts (2 of 4 stars). 4 submissions from 4 submitters: Uncertain significance (4). Last evaluated 2025-10-05.

Conditions:
Malignant hyperthermia, susceptibility to, 5 (MHS5). Also called: CACNA1S-Related Malignant Hyperthermia Susceptibility. Identifiers: Orphanet 423, MedGen C1866077, MONDO:0011163, OMIM 601887.
Hypokalemic periodic paralysis, type 1. Also called: Hypokalemic Periodic Paralysis Type 1 (AD); HypoPP. Identifiers: Orphanet 681, MedGen C3714580, MONDO:0042979, OMIM 170400.
Inborn genetic diseases. Identifiers: MedGen C0950123, MeSH D030342.

Submissions (4):

Color Diagnostics, LLC DBA Color Health
Classification: Uncertain significance for Malignant hyperthermia, susceptibility to, 5. Last evaluated: 2025-10-05. Review status: criteria provided, single submitter. Criteria: ACMG Guidelines, 2015. Collection method: clinical testing. Allele origin: germline.
Comment: This missense variant replaces tyrosine with cysteine at codon 1091 of the CACNA1S protein. Computational prediction suggests that this variant may have deleterious impact on protein structure and function. To our knowledge, functional studies have not been reported for this variant. This variant has not been reported in individuals affected with CACNA1S-related disorders in the literature. This variant has not been identified in the general population by the Genome Aggregation Database (gnomAD). The available evidence is insufficient to determine the role of this variant in disease conclusively. Therefore, this variant is classified as a Variant of Uncertain Significance.

Ambry Genetics
Classification: Uncertain significance for Inborn genetic diseases. Last evaluated: 2025-07-01. Review status: criteria provided, single submitter. Criteria: Ambry Variant Classification Scheme 2023. Collection method: clinical testing. Allele origin: germline.

All of Us Research Program, National Institutes of Health
Classification: Uncertain significance for Malignant hyperthermia, susceptibility to, 5. Last evaluated: 2024-05-09. Review status: criteria provided, single submitter. Criteria: ACMG Guidelines, 2015. Collection method: clinical testing. Allele origin: germline. Inheritance: Autosomal dominant inheritance. Observed: 3 variant alleles, 3 heterozygotes.
Comment: This missense variant replaces tyrosine with cysteine at codon 1091 of the CACNA1S protein. Computational prediction suggests that this variant may have deleterious impact on protein structure and function (internally defined REVEL score threshold >= 0.7, PMID: 27666373). To our knowledge, functional studies have not been reported for this variant. This variant has not been reported in individuals affected with CACNA1S-related disorders in the literature. This variant has not been identified in the general population by the Genome Aggregation Database (gnomAD). The available evidence is insufficient to determine the role of this variant in disease conclusively. Therefore, this variant is classified as a Variant of Uncertain Significance.

This study involves interpretation of variants in research participants for the purpose of population health screening. Participant phenotype was not available at the time of variant classification. Additional details can be found in publication PMID: 35346344, PMCID: PMC8962531

Labcorp Genetics (formerly Invitae), Labcorp
Classification: Uncertain significance for Hypokalemic periodic paralysis, type 1; Malignant hyperthermia, susceptibility to, 5. Last evaluated: 2023-04-17. Review status: criteria provided, single submitter. Criteria: Invitae Variant Classification Sherloc (09022015). Collection method: clinical testing. Allele origin: germline.
Comment: This sequence change replaces tyrosine, which is neutral and polar, with cysteine, which is neutral and slightly polar, at codon 1091 of the CACNA1S protein (p.Tyr1091Cys). This variant is not present in population databases (gnomAD no frequency). This variant has not been reported in the literature in individuals affected with CACNA1S-related conditions. ClinVar contains an entry for this variant (Variation ID: 861827). Advanced modeling of protein sequence and biophysical properties (such as structural, functional, and spatial information, amino acid conservation, physicochemical variation, residue mobility, and thermodynamic stability) performed at Invitae indicates that this missense variant is expected to disrupt CACNA1S protein function. In summary, the available evidence is currently insufficient to determine the role of this variant in disease. Therefore, it has been classified as a Variant of Uncertain Significance.

NM_000069.3(CACNA1S):c.3272A>G (p.Tyr1091Cys)

Gene: CACNA1S (calcium voltage-gated channel subunit alpha1 S; minus strand). Cytogenetic location: 1q32.1.
Variant type: single nucleotide variant.
Coding change: c.3272A>G on transcript NM_000069.3 (MANE Select); coding-DNA position 3272, A replaced by G.
Protein change: p.Tyr1091Cys; replaces tyrosine 1091 with cysteine.
Molecular consequence: missense variant.
Genome position (GRCh38, 1-based): chr1:201,060,800, T>C on the plus strand (A>G on the coding strand, the complement: CACNA1S is on the minus strand). VCF-style: chr1-201060800-T-C. GRCh37 (hg19) VCF-style: chr1-201029928-T-C.
Other names: short protein forms Y1091C.
Identifiers: ClinVar variation 861827 (VCV000861827.14), dbSNP rs1661020089, ClinGen allele CA344161133.